The following is an entry in ClinVar:

NM_005431.2(XRCC2):c.713G>A (p.Arg238Lys)

Gene: XRCC2 (X-ray repair cross complementing 2; minus strand). Cytogenetic location: 7q36.1.
Variant type: single nucleotide variant.
Coding change: c.713G>A on transcript NM_005431.2 (MANE Select); coding-DNA position 713, G replaced by A.
Protein change: p.Arg238Lys; replaces arginine 238 with lysine.
Molecular consequence: missense variant.
Genome position (GRCh38, 1-based): chr7:152,648,772, C>T on the plus strand (G>A on the coding strand, the complement: XRCC2 is on the minus strand). VCF-style: chr7-152648772-C-T. GRCh37 (hg19) VCF-style: chr7-152345857-C-T.
Other names: short protein forms R238K.
Identifiers: ClinVar variation 419873 (VCV000419873.13), dbSNP rs1064794162, ClinGen allele CA16618427.

ClinVar aggregate classification (germline): Uncertain significance. Review status: criteria provided, multiple submitters, no conflicts (2 of 4 stars). 3 submissions from 3 submitters: Uncertain significance (3). Last evaluated 2025-11-09.

Conditions:
Hereditary cancer-predisposing syndrome. Also called: Hereditary neoplastic syndrome; Tumor predisposition; Neoplastic Syndromes, Hereditary; Hereditary Cancer Syndrome. Identifiers: Orphanet 140162, MedGen C0027672, MeSH D009386, MONDO:0015356.

Allele frequency attached by ClinVar (database versions not stated): gnomAD exomes below 0.00001.
gnomAD v4.1: 1 of 1,614,150 alleles (0.000062%); highest among the groups gnomAD compares: Non-Finnish European, 0.000085%; no homozygotes.

Submissions (3):

Ambry Genetics
Classification: Uncertain significance for Hereditary cancer-predisposing syndrome. Last evaluated: 2025-11-09. Review status: criteria provided, single submitter. Criteria: Ambry Variant Classification Scheme 2023. Collection method: clinical testing. Allele origin: germline.
Comment: The p.R238K variant (also known as c.713G>A), located in coding exon 3 of the XRCC2 gene, results from a G to A substitution at nucleotide position 713. The arginine at codon 238 is replaced by lysine, an amino acid with highly similar properties. This amino acid position is conserved. In addition, this alteration is predicted to be tolerated by in silico analysis. Since supporting evidence is limited at this time, the clinical significance of this alteration remains unclear.

Labcorp Genetics (formerly Invitae), Labcorp
Classification: Uncertain significance. Last evaluated: 2022-10-17. Review status: criteria provided, single submitter. Criteria: Invitae Variant Classification Sherloc (09022015). Collection method: clinical testing. Allele origin: germline.
Comment: This variant has not been reported in the literature in individuals affected with XRCC2-related conditions. In summary, the available evidence is currently insufficient to determine the role of this variant in disease. Therefore, it has been classified as a Variant of Uncertain Significance. Advanced modeling of protein sequence and biophysical properties (such as structural, functional, and spatial information, amino acid conservation, physicochemical variation, residue mobility, and thermodynamic stability) performed at Invitae indicates that this missense variant is not expected to disrupt XRCC2 protein function. ClinVar contains an entry for this variant (Variation ID: 419873). This variant is not present in population databases (gnomAD no frequency). This sequence change replaces arginine, which is basic and polar, with lysine, which is basic and polar, at codon 238 of the XRCC2 protein (p.Arg238Lys).

GeneDx
Classification: Uncertain significance. Last evaluated: 2015-09-24. Review status: criteria provided, single submitter. Criteria: GeneDx Variant Classification (06012015). Collection method: clinical testing. Allele origin: germline. Affected: yes.
Comment: This variant is denoted XRCC2 c.713G>A at the cDNA level, p.Arg238Lys (R238K) at the protein level, and results in the change of an Arginine to a Lysine (AGG>AAG). This variant has not, to our knowledge, been published in the literature as pathogenic or benign. XRCC2 Arg238Lys was not observed in approximately 6,500 individuals of European and African American ancestry in the NHLBI Exome Sequencing Project, indicating it is not a common benign variant in these populations. Since Arginine and Lysine share similar properties, this is considered a conservative amino acid substitution. XRCC2 Arg238Lys occurs at a position that is conserved across species and is not located in a known functional domain. In silico analyses are inconsistent regarding the effect this variant may have on protein structure and function. Based on currently available information, it is unclear whether XRCC2 Arg238Lys is pathogenic or benign. We consider it to be a variant of uncertain significance.